The following is an entry in ClinVar:

NM_000219.6(KCNE1):c.97A>G (p.Arg33Gly)

Gene: KCNE1 (potassium voltage-gated channel subfamily E regulatory subunit 1; minus strand). Cytogenetic location: 21q22.12.
Variant type: single nucleotide variant.
Coding change: c.97A>G on transcript NM_000219.6 (MANE Select); coding-DNA position 97, A replaced by G.
Protein change: p.Arg33Gly; replaces arginine 33 with glycine.
Molecular consequence: missense variant.
Genome position (GRCh38, 1-based): chr21:34,449,538, T>C on the plus strand (A>G on the coding strand, the complement: KCNE1 is on the minus strand). VCF-style: chr21-34449538-T-C. GRCh37 (hg19) VCF-style: chr21-35821836-T-C.
Other names: c.97A>G, p.Arg33Gly (NM_001127668.4, NM_001127669.4, NM_001127670.4 and 4 more transcripts); short protein forms R33G.
Identifiers: ClinVar variation 2846135 (VCV002846135.5), dbSNP rs2516764659, ClinGen allele CA410198485.
Genomic context (GRCh38, chr21:34,449,538, plus strand): 5'-ATCCCAGTACCATGAGGACGTAGAGGGCCTCCAGCTTGCCGTCACTGCTGCGGGGGGACC[T>C]GCGGGCCAGGCCCGACATGTTGCCACCCTGCTGAACTGTCTCCTGCCACAGCTTGGTCAG-3'
Protein context (NP_000210.2, residues 23-43): QGGNMSGLAR[Arg33Gly]SPRSSDGKLE

ClinVar aggregate classification (germline): Uncertain significance (1 of 4 stars; one submission).

Conditions:
Long QT syndrome (LQTS). Identifiers: MedGen C0023976, MeSH D008133, MONDO:0002442. Disease mechanism: loss of function. Inheritance: Various modes of inheritance.

Submissions (2):

Labcorp Genetics (formerly Invitae), Labcorp
Classification: Uncertain significance for Long QT syndrome. Last evaluated: 2023-03-23. Review status: criteria provided, single submitter. Criteria: Invitae Variant Classification Sherloc (09022015). Collection method: clinical testing. Allele origin: germline.
Comment: Advanced modeling of protein sequence and biophysical properties (such as structural, functional, and spatial information, amino acid conservation, physicochemical variation, residue mobility, and thermodynamic stability) has been performed at Invitae for this missense variant, however the output from this modeling did not meet the statistical confidence thresholds required to predict the impact of this variant on KCNE1 protein function. This sequence change replaces arginine, which is basic and polar, with glycine, which is neutral and non-polar, at codon 33 of the KCNE1 protein (p.Arg33Gly). This variant is not present in population databases (gnomAD no frequency). This variant has not been reported in the literature in individuals affected with KCNE1-related conditions. In summary, the available evidence is currently insufficient to determine the role of this variant in disease. Therefore, it has been classified as a Variant of Uncertain Significance.

Roden Lab, Vanderbilt University Medical Center
No classification provided (evidence only). Condition: Long QT syndrome 5. Review status: no classification provided. Collection method: in vitro. Allele origin: not applicable. Functional consequence: Effect on ion channel function. Not counted in ClinVar's aggregate classification.
ClinVar note: "not provided" was previously submitted as the classification for the variant. However, the classification appeared to be based only on an observation of functional data so it was converted to no classification on 2025-07-30.